The following is an entry in ClinVar:

NM_003482.4(KMT2D):c.1382C>G (p.Pro461Arg)

Gene: KMT2D (lysine methyltransferase 2D; minus strand). Cytogenetic location: 12q13.12.
Variant type: single nucleotide variant.
Coding change: c.1382C>G on transcript NM_003482.4 (MANE Select); coding-DNA position 1382, C replaced by G.
Protein change: p.Pro461Arg; replaces proline 461 with arginine.
Molecular consequence: missense variant.
Genome position (GRCh38, 1-based): chr12:49,052,301, G>C on the plus strand (C>G on the coding strand, the complement: KMT2D is on the minus strand). VCF-style: chr12-49052301-G-C. GRCh37 (hg19) VCF-style: chr12-49446084-G-C.
Other names: short protein forms P461R.
Identifiers: ClinVar variation 2906778 (VCV002906778.3), dbSNP rs749470706, ClinGen allele CA236621225.

ClinVar aggregate classification (germline): Uncertain significance (1 of 4 stars; one submission).

Conditions:
Kabuki syndrome. Also called: Kabuki make-up syndrome; NIIKAWA-KUROKI SYNDROME. Identifiers: Orphanet 2322, MedGen C0796004, MONDO:0016512.

gnomAD v4.1: 1 of 1,592,954 alleles (0.000063%); highest among the groups gnomAD compares: Non-Finnish European, 0.000086%; no homozygotes.

Submission:

Labcorp Genetics (formerly Invitae), Labcorp
Classification: Uncertain significance for Kabuki syndrome. Last evaluated: 2024-01-26. Review status: criteria provided, single submitter. Criteria: Invitae Variant Classification Sherloc (09022015). Collection method: clinical testing. Allele origin: germline.
Comment: This sequence change replaces proline, which is neutral and non-polar, with arginine, which is basic and polar, at codon 461 of the KMT2D protein (p.Pro461Arg). This variant is not present in population databases (gnomAD no frequency). This variant has not been reported in the literature in individuals affected with KMT2D-related conditions. Advanced modeling of protein sequence and biophysical properties (such as structural, functional, and spatial information, amino acid conservation, physicochemical variation, residue mobility, and thermodynamic stability) performed at Invitae indicates that this missense variant is not expected to disrupt KMT2D protein function with a negative predictive value of 95%. In summary, the available evidence is currently insufficient to determine the role of this variant in disease. Therefore, it has been classified as a Variant of Uncertain Significance.